The following is an entry in ClinVar:

ClinVar aggregate classification (germline): Uncertain significance (1 of 4 stars; one submission).

Conditions:
TH-deficient dopa-responsive dystonia. Also called: Tyrosine Hydroxylase-Deficient Dopa-Responsive Dystonia; Segawa syndrome, autosomal recessive; DYT-TH. Identifiers: Orphanet 101150, MedGen C2673535, MONDO:0011551, OMIM 605407.

Allele frequency attached by ClinVar (database versions not stated): gnomAD exomes 0.00001.
gnomAD v4.1: 4 of 1,559,504 alleles (0.00026%); highest among the groups gnomAD compares: South Asian, 0.0035%; no homozygotes.

Submission:

Labcorp Genetics (formerly Invitae), Labcorp
Classification: Uncertain significance for TH-deficient dopa-responsive dystonia. Last evaluated: 2021-09-24. Review status: criteria provided, single submitter. Criteria: Invitae Variant Classification Sherloc (09022015). Collection method: clinical testing. Allele origin: germline.
Comment: This sequence change replaces glycine with aspartic acid at codon 247 of the TH protein (p.Gly247Asp). The glycine residue is highly conserved and there is a moderate physicochemical difference between glycine and aspartic acid. This variant is not present in population databases (ExAC no frequency). This variant has been observed in individual(s) with clinical features of dystonia (Invitae). Algorithms developed to predict the effect of missense changes on protein structure and function (SIFT, PolyPhen-2, Align-GVGD) all suggest that this variant is likely to be disruptive. This variant disrupts the p.Gly247 amino acid residue in TH. Other variant(s) that disrupt this residue have been determined to be pathogenic (PMID: 18554280, 20056467, 28087438, 29405179). This suggests that this residue is clinically significant, and that variants that disrupt this residue are likely to be disease-causing. In summary, the available evidence is currently insufficient to determine the role of this variant in disease. Therefore, it has been classified as a Variant of Uncertain Significance.

Literature cited by the submitters: PubMed 18554280; PubMed 20056467; PubMed 28087438; PubMed 29405179.

NM_000360.4(TH):c.647G>A (p.Gly216Asp)

Gene: TH (tyrosine hydroxylase; minus strand). Cytogenetic location: 11p15.5.
Variant type: single nucleotide variant.
Coding change: c.647G>A on transcript NM_000360.4 (MANE Select); coding-DNA position 647, G replaced by A.
Protein change: p.Gly216Asp; replaces glycine 216 with aspartic acid.
Molecular consequence: missense variant.
Genome position (GRCh38, 1-based): chr11:2,167,483, C>T on the plus strand (G>A on the coding strand, the complement: TH is on the minus strand). VCF-style: chr11-2167483-C-T. GRCh37 (hg19) VCF-style: chr11-2188713-C-T.
Other names: c.740G>A, p.Gly247Asp (NM_199292.3); c.728G>A, p.Gly243Asp (NM_199293.3); short protein forms G243D, G216D, G247D.
Identifiers: ClinVar variation 2193846 (VCV002193846.1), dbSNP rs1180963569, ClinGen allele CA379127522.
Genomic context (GRCh38, chr11:2,167,483, plus strand): 5'-CGGAGGTCTCACCAGGTGGCAATCTCCTCGGCGGTGTACTCCACACGGGGAATCGGGTCG[C>T]CGCTGGGGAGGGGGCCAGTGGTCAGCAGGTCCCCTCGGGGAGTGAGAAGGGCAGGAGGGA-3'
Protein context (NP_000351.2, residues 206-226): IAEIAFQYRH[Gly216Asp]DPIPRVEYTA